The following is an entry in ClinVar:

NM_002055.5(GFAP):c.306C>G (p.Asn102Lys)

Gene: GFAP (glial fibrillary acidic protein; minus strand). Cytogenetic location: 17q21.31.
Variant type: single nucleotide variant.
Coding change: c.306C>G on transcript NM_002055.5 (MANE Select); coding-DNA position 306, C replaced by G.
Protein change: p.Asn102Lys; replaces asparagine 102 with lysine.
Molecular consequence: missense variant.
Genome position (GRCh38, 1-based): chr17:44,915,181, G>C on the plus strand (C>G on the coding strand, the complement: GFAP is on the minus strand). VCF-style: chr17-44915181-G-C. GRCh37 (hg19) VCF-style: chr17-42992549-G-C.
Other names: c.306C>G, p.Asn102Lys (NM_001131019.3, NM_001242376.3, NM_001363846.2); short protein forms N102K.
Identifiers: ClinVar variation 2850985 (VCV002850985.3), dbSNP rs2508949338, ClinGen allele CA399848402.

ClinVar aggregate classification (germline): Uncertain significance (1 of 4 stars; one submission).

Submission:

Labcorp Genetics (formerly Invitae), Labcorp
Classification: Uncertain significance. Last evaluated: 2023-03-30. Review status: criteria provided, single submitter. Criteria: Invitae Variant Classification Sherloc (09022015). Collection method: clinical testing. Allele origin: germline.
Comment: In summary, the available evidence is currently insufficient to determine the role of this variant in disease. Therefore, it has been classified as a Variant of Uncertain Significance. Advanced modeling of protein sequence and biophysical properties (such as structural, functional, and spatial information, amino acid conservation, physicochemical variation, residue mobility, and thermodynamic stability) has been performed at Invitae for this missense variant, however the output from this modeling did not meet the statistical confidence thresholds required to predict the impact of this variant on GFAP protein function. This missense change has been observed in individual(s) with Alexander disease (PMID: 28448978). This variant is not present in population databases (gnomAD no frequency). This sequence change replaces asparagine, which is neutral and polar, with lysine, which is basic and polar, at codon 102 of the GFAP protein (p.Asn102Lys).

Literature cited by the submitters: PubMed 28448978.